The following is an entry in ClinVar:

ClinVar aggregate classification (germline): Uncertain significance (1 of 4 stars; one submission).

Allele frequency attached by ClinVar (database versions not stated): gnomAD exomes below 0.00001.
gnomAD v4.1: 2 of 1,614,124 alleles (0.00012%); highest among the groups gnomAD compares: Non-Finnish European, 0.00017%; no homozygotes.

Submission:

Labcorp Genetics (formerly Invitae), Labcorp
Classification: Uncertain significance. Last evaluated: 2022-09-10. Review status: criteria provided, single submitter. Criteria: Invitae Variant Classification Sherloc (09022015). Collection method: clinical testing. Allele origin: germline.
Comment: Advanced modeling of protein sequence and biophysical properties (such as structural, functional, and spatial information, amino acid conservation, physicochemical variation, residue mobility, and thermodynamic stability) performed at Invitae indicates that this missense variant is not expected to disrupt SEMA4A protein function. This sequence change replaces proline, which is neutral and non-polar, with leucine, which is neutral and non-polar, at codon 104 of the SEMA4A protein (p.Pro104Leu). This variant is not present in population databases (gnomAD no frequency). This variant has not been reported in the literature in individuals affected with SEMA4A-related conditions. In summary, the available evidence is currently insufficient to determine the role of this variant in disease. Therefore, it has been classified as a Variant of Uncertain Significance.

NM_022367.4(SEMA4A):c.311C>T (p.Pro104Leu)

Gene: SEMA4A (semaphorin 4A; plus strand). Cytogenetic location: 1q22.
Variant type: single nucleotide variant.
Coding change: c.311C>T on transcript NM_022367.4 (MANE Select); coding-DNA position 311, C replaced by T.
Protein change: p.Pro104Leu; replaces proline 104 with leucine.
Molecular consequence: missense variant. On other transcripts: 5 prime UTR variant (2).
Genome position (GRCh38, 1-based): chr1:156,158,080, C>T. VCF-style: chr1-156158080-C-T. GRCh37 (hg19) VCF-style: chr1-156127871-C-T.
Other names: c.311C>T, p.Pro104Leu (NM_001193300.2, NM_001193301.2, NM_001370567.1); c.14C>T, p.Pro5Leu (NM_001193302.2, NM_001370568.1); c.-214C>T (NM_001370569.1, NM_001370571.1); short protein forms P104L, P5L.
Identifiers: ClinVar variation 1719217 (VCV001719217.5), dbSNP rs2528133836, ClinGen allele CA342835537.